The following is an entry in ClinVar:

ClinVar aggregate classification (germline): Uncertain significance (1 of 4 stars; one submission).

gnomAD v4.1: 3 of 1,614,174 alleles (0.00019%); highest among the groups gnomAD compares: Non-Finnish European, 0.00025%; no homozygotes.

Submissions (2):

Labcorp Genetics (formerly Invitae), Labcorp
Classification: Uncertain significance. Last evaluated: 2025-10-10. Review status: criteria provided, single submitter. Criteria: Invitae Variant Classification Sherloc (09022015). Collection method: clinical testing. Allele origin: germline.
Comment: This sequence change replaces serine, which is neutral and polar, with glycine, which is neutral and non-polar, at codon 3153 of the KMT2A protein (p.Ser3153Gly). This variant is not present in population databases (gnomAD no frequency). This variant has not been reported in the literature in individuals affected with KMT2A-related conditions. Invitae Evidence Modeling of protein sequence and biophysical properties (such as structural, functional, and spatial information, amino acid conservation, physicochemical variation, residue mobility, and thermodynamic stability) indicates that this missense variant is not expected to disrupt KMT2A protein function with a negative predictive value of 95%. In summary, the available evidence is currently insufficient to determine the role of this variant in disease. Therefore, it has been classified as a Variant of Uncertain Significance.

Dr. Peter K. Rogan Lab, Western University
No classification provided (evidence only). Condition: Ovarian serous cystadenocarcinoma. Review status: no classification provided. Collection method: in vitro. Allele origin: not applicable. Functional consequence: retained intron. Not counted in ClinVar's aggregate classification.

NM_001197104.2(KMT2A):c.9457A>G (p.Ser3153Gly)

Gene: KMT2A (lysine methyltransferase 2A; plus strand). Cytogenetic location: 11q23.3.
Variant type: single nucleotide variant.
Coding change: c.9457A>G on transcript NM_001197104.2 (MANE Select); coding-DNA position 9457, A replaced by G.
Protein change: p.Ser3153Gly; replaces serine 3153 with glycine.
Molecular consequence: missense variant.
Genome position (GRCh38, 1-based): chr11:118,505,349, A>G. VCF-style: chr11-118505349-A-G. GRCh37 (hg19) VCF-style: chr11-118376064-A-G.
Other names: NC_000011.9:g.118376064A>G; c.9547A>G, p.Ser3183Gly (NM_001412597.1); c.9448A>G, p.Ser3150Gly (NM_005933.4); short protein forms S3150G, S3153G, S3183G.
Identifiers: ClinVar variation 4368147 (VCV004368147.2).
Genomic context (GRCh38, chr11:118,505,349, plus strand): 5'-ACCCTTACCACAGGACTAAATCCAAGCTTGCCAACTTCTCAATCTTTGTTCCCTTCTGCT[A>G]GCAAAGGATTGCTACCCATGTCTCATCACCAGCACTTACATTCCTTCCCTGCAGCTACTC-3'
Protein context (NP_001184033.1, residues 3143-3163): PTSQSLFPSA[Ser3153Gly]KGLLPMSHHQ